The following is an entry in ClinVar:

NM_001367943.1(TCF7L2):c.200G>A (p.Arg67Gln)

Gene: TCF7L2 (transcription factor 7 like 2; plus strand). Cytogenetic location: 10q25.2.
Variant type: single nucleotide variant.
Coding change: c.200G>A on transcript NM_001367943.1 (MANE Select); coding-DNA position 200, G replaced by A.
Protein change: p.Arg67Gln; replaces arginine 67 with glutamine.
Molecular consequence: missense variant.
Genome position (GRCh38, 1-based): chr10:112,951,217, G>A. VCF-style: chr10-112951217-G-A. GRCh37 (hg19) VCF-style: chr10-114710976-G-A.
Other names: c.200G>A, p.Arg67Gln (NM_001146274.2, NM_001146283.2, NM_001146284.2 and 11 more transcripts); short protein forms R67Q.
Identifiers: ClinVar variation 2640838 (VCV002640838.24), dbSNP rs373536721, ClinGen allele CA5692733.

ClinVar aggregate classification (germline): Uncertain significance (1 of 4 stars; one submission).

Allele frequency attached by ClinVar (database versions not stated): TOPMed 0.00001; ExAC 0.00003; ESP Exome Variant Server 0.00008.
gnomAD v4.1: 3 of 1,583,834 alleles (0.00019%); highest among the groups gnomAD compares: South Asian, 0.0011%; no homozygotes.

Submission:

CeGaT Center for Human Genetics Tuebingen
Classification: Uncertain significance. Last evaluated: 2023-06-01. Review status: criteria provided, single submitter. Criteria: CeGaT Center For Human Genetics Tuebingen Variant Classification Criteria Version 2. Collection method: clinical testing. Allele origin: germline. Affected: yes. Observed: 1 variant allele.
Comment: TCF7L2: PM2, PP3